The following is an entry in ClinVar:

NM_001148.6(ANK2):c.8047C>A (p.Pro2683Thr)

Gene: ANK2 (ankyrin 2; plus strand). Cytogenetic location: 4q26.
Variant type: single nucleotide variant.
Coding change: c.8047C>A on transcript NM_001148.6 (MANE Select); coding-DNA position 8047, C replaced by A.
Protein change: p.Pro2683Thr; replaces proline 2683 with threonine.
Molecular consequence: missense variant. On other transcripts: intron variant (68).
Genome position (GRCh38, 1-based): chr4:113,356,665, C>A. VCF-style: chr4-113356665-C-A. GRCh37 (hg19) VCF-style: chr4-114277821-C-A.
Other names: c.4325-4158C>A (NM_001354236.2); c.4463-4158C>A (NM_001354232.2); c.4328-4158C>A (NM_001354228.2, NM_001354258.2); c.4265-4158C>A (NM_001354245.2, NM_001354262.2, NM_001354275.2); c.4229-4158C>A (NM_001354268.2); c.4127-4158C>A (NM_001354273.2); c.4427-4158C>A (NM_020977.5); c.4484-4158C>A (NM_001386152.1); and 35 more; short protein forms P1483T, P2605T, P2722T, P2730T, P2683T.
Identifiers: ClinVar variation 2725987 (VCV002725987.3), dbSNP rs2505806289, ClinGen allele CA357932925.

ClinVar aggregate classification (germline): Uncertain significance (1 of 4 stars; one submission).

Conditions:
Long QT syndrome (LQTS). Identifiers: MedGen C0023976, MeSH D008133, MONDO:0002442. Disease mechanism: loss of function. Inheritance: Various modes of inheritance.

Submission:

Labcorp Genetics (formerly Invitae), Labcorp
Classification: Uncertain significance for Long QT syndrome. Last evaluated: 2023-05-26. Review status: criteria provided, single submitter. Criteria: Invitae Variant Classification Sherloc (09022015). Collection method: clinical testing. Allele origin: germline.
Comment: In summary, the available evidence is currently insufficient to determine the role of this variant in disease. Therefore, it has been classified as a Variant of Uncertain Significance. Algorithms developed to predict the effect of missense changes on protein structure and function output the following: SIFT: "Not Available"; PolyPhen-2: "Benign"; Align-GVGD: "Not Available". The threonine amino acid residue is found in multiple mammalian species, which suggests that this missense change does not adversely affect protein function. This variant has not been reported in the literature in individuals affected with ANK2-related conditions. This variant is not present in population databases (gnomAD no frequency). This sequence change replaces proline, which is neutral and non-polar, with threonine, which is neutral and polar, at codon 2683 of the ANK2 protein (p.Pro2683Thr).